The following is an entry in ClinVar:

NM_001605.3(AARS1):c.2222C>A (p.Thr741Lys)

Gene: AARS1 (alanyl-tRNA synthetase 1; minus strand). Cytogenetic location: 16q22.1.
Variant type: single nucleotide variant.
Coding change: c.2222C>A on transcript NM_001605.3 (MANE Select); coding-DNA position 2222, C replaced by A.
Protein change: p.Thr741Lys; replaces threonine 741 with lysine.
Molecular consequence: missense variant.
Genome position (GRCh38, 1-based): chr16:70,255,792, G>T on the plus strand (C>A on the coding strand, the complement: AARS1 is on the minus strand). VCF-style: chr16-70255792-G-T. GRCh37 (hg19) VCF-style: chr16-70289695-G-T.
Other names: short protein forms T741K.
Identifiers: ClinVar variation 933282 (VCV000933282.9), dbSNP rs148383122, ClinGen allele CA396557007.

ClinVar aggregate classification (germline): Uncertain significance (1 of 4 stars; one submission).

Conditions:
Charcot-Marie-Tooth disease type 2. Also called: Charcot-Marie-Tooth type 2. Identifiers: Orphanet 64746, MedGen C0270914, MONDO:0018993.

Submission:

Labcorp Genetics (formerly Invitae), Labcorp
Classification: Uncertain significance for Charcot-Marie-Tooth disease type 2. Last evaluated: 2022-03-23. Review status: criteria provided, single submitter. Criteria: Invitae Variant Classification Sherloc (09022015). Collection method: clinical testing. Allele origin: germline.
Comment: In summary, the available evidence is currently insufficient to determine the role of this variant in disease. Therefore, it has been classified as a Variant of Uncertain Significance. Algorithms developed to predict the effect of sequence changes on RNA splicing suggest that this variant may create or strengthen a splice site. Algorithms developed to predict the effect of missense changes on protein structure and function are either unavailable or do not agree on the potential impact of this missense change (SIFT: "Deleterious"; PolyPhen-2: "Benign"; Align-GVGD: "Class C0"). ClinVar contains an entry for this variant (Variation ID: 933282). This missense change has been observed in individual(s) with clinical features of AARS-related conditions (Invitae). This variant is not present in population databases (gnomAD no frequency). This sequence change replaces threonine, which is neutral and polar, with lysine, which is basic and polar, at codon 741 of the AARS protein (p.Thr741Lys).